The following is an entry in ClinVar:

NM_005732.4(RAD50):c.2822A>G (p.Gln941Arg)

Gene: RAD50 (RAD50 double strand break repair protein; plus strand). Cytogenetic location: 5q31.1.
Variant type: single nucleotide variant.
Coding change: c.2822A>G on transcript NM_005732.4 (MANE Select); coding-DNA position 2822, A replaced by G.
Protein change: p.Gln941Arg; replaces glutamine 941 with arginine.
Molecular consequence: missense variant.
Genome position (GRCh38, 1-based): chr5:132,608,718, A>G. VCF-style: chr5-132608718-A-G. GRCh37 (hg19) VCF-style: chr5-131944410-A-G.
Other names: short protein forms Q941R.
Identifiers: ClinVar variation 575168 (VCV000575168.9), dbSNP rs1561647170, ClinGen allele CA360959229.

ClinVar aggregate classification (germline): Uncertain significance (1 of 4 stars; one submission).

Conditions:
Hereditary cancer-predisposing syndrome. Also called: Neoplastic Syndromes, Hereditary; Hereditary Cancer Syndrome; Tumor predisposition; Hereditary neoplastic syndrome. Identifiers: Orphanet 140162, MedGen C0027672, MeSH D009386, MONDO:0015356.

Submission:

Labcorp Genetics (formerly Invitae), Labcorp
Classification: Uncertain significance for Hereditary cancer-predisposing syndrome. Last evaluated: 2018-05-24. Review status: criteria provided, single submitter. Criteria: Invitae Variant Classification Sherloc (09022015). Collection method: clinical testing. Allele origin: germline.
Comment: In summary, the available evidence is currently insufficient to determine the role of this variant in disease. Therefore, it has been classified as a Variant of Uncertain Significance. Algorithms developed to predict the effect of missense changes on protein structure and function are either unavailable or do not agree on the potential impact of this missense change (SIFT: "Deleterious"; PolyPhen-2: "Benign"; Align-GVGD: "Class C0"). This variant has not been reported in the literature in individuals with RAD50-related disease. This variant is not present in population databases (ExAC no frequency). This sequence change replaces glutamine with arginine at codon 941 of the RAD50 protein (p.Gln941Arg). The glutamine residue is highly conserved and there is a small physicochemical difference between glutamine and arginine.